The following is an entry in ClinVar:

NM_001958.5(EEF1A2):c.1289G>A (p.Arg430Lys)

Gene: EEF1A2 (eukaryotic translation elongation factor 1 alpha 2; minus strand). Cytogenetic location: 20q13.33.
Variant type: single nucleotide variant.
Coding change: c.1289G>A on transcript NM_001958.5 (MANE Select); coding-DNA position 1289, G replaced by A.
Protein change: p.Arg430Lys; replaces arginine 430 with lysine.
Molecular consequence: missense variant.
Genome position (GRCh38, 1-based): chr20:63,488,401, C>T on the plus strand (G>A on the coding strand, the complement: EEF1A2 is on the minus strand). VCF-style: chr20-63488401-C-T. GRCh37 (hg19) VCF-style: chr20-62119754-C-T.
Other names: short protein forms R430K.
Identifiers: ClinVar variation 423928 (VCV000423928.2), dbSNP rs1064796704, ClinGen allele CA16620981.

ClinVar aggregate classification (germline): Uncertain significance (1 of 4 stars; one submission).

Submission:

GeneDx
Classification: Uncertain significance. Last evaluated: 2018-04-23. Review status: criteria provided, single submitter. Criteria: GeneDx Variant Classification (06012015). Collection method: clinical testing. Allele origin: germline. Affected: yes.
Comment: A variant of uncertain significance has been identified in the EEF1A2 gene. The R430K variant has not been published as a pathogenic variant, nor has it been reported as a benign variant to our knowledge. The R430K variant is not observed in large population cohorts (Lek et al., 2016; 1000 Genomes Consortium et al., 2015; Exome Variant Server). This substitution occurs at a position that is conserved across species. However, the R430K variant is a conservative amino acid substitution, which is not likely to impact secondary protein structure as these residues share similar properties. In silico analysis is inconsistent in its predictions as to whether or not the variant is damaging to the protein structure/function. Therefore, based on the currently available information, it is unclear whether this variant is a pathogenic variant or a rare benign variant.